The following is an entry in ClinVar:

NM_004168.4(SDHA):c.584G>A (p.Arg195Gln)

Gene: SDHA (succinate dehydrogenase complex flavoprotein subunit A; plus strand). Cytogenetic location: 5p15.33.
Variant type: single nucleotide variant.
Coding change: c.584G>A on transcript NM_004168.4 (MANE Select); coding-DNA position 584, G replaced by A.
Protein change: p.Arg195Gln; replaces arginine 195 with glutamine.
Molecular consequence: missense variant.
Genome position (GRCh38, 1-based): chr5:226,010, G>A. VCF-style: chr5-226010-G-A. GRCh37 (hg19) VCF-style: chr5-226125-G-A.
Other names: c.440G>A, p.Arg147Gln (NM_001294332.2); c.584G>A, p.Arg195Gln (NM_001330758.2); short protein forms R195Q, R147Q.
Identifiers: ClinVar variation 472396 (VCV000472396.12), dbSNP rs762956849, ClinGen allele CA3172883.

ClinVar aggregate classification (germline): Uncertain significance. Review status: criteria provided, multiple submitters, no conflicts (2 of 4 stars). 3 submissions from 3 submitters: Uncertain significance (3). Last evaluated 2026-01-18.

Conditions:
Mitochondrial complex II deficiency, nuclear type 1. Also called: SUCCINATE CoQ REDUCTASE DEFICIENCY. Identifiers: Orphanet 3208, MedGen C5700310, MONDO:0100294, OMIM 252011.
Dilated cardiomyopathy 1GG (CMD1GG). Identifiers: Orphanet 154, MedGen C3150898, MONDO:0013339, OMIM 613642.
Neurodegeneration with ataxia and late-onset optic atrophy. Identifiers: MedGen C5543254, MONDO:0031006, OMIM 619259.
Pheochromocytoma/paraganglioma syndrome 5. Also called: Paragangliomas 5; SDHA-Related Hereditary Paraganglioma-Pheochromocytoma Syndrome. Identifiers: Orphanet 29072, MedGen C3279992, MONDO:0013602, OMIM 614165.
Hereditary cancer-predisposing syndrome. Also called: Neoplastic Syndromes, Hereditary; Hereditary Cancer Syndrome; Hereditary neoplastic syndrome; Tumor predisposition. Identifiers: Orphanet 140162, MedGen C0027672, MeSH D009386, MONDO:0015356.

Allele frequency attached by ClinVar (database versions not stated): gnomAD exomes below 0.00001 and 0.00001; TOPMed below 0.00001; ExAC 0.00001; gnomAD 0.00001.

Submissions (3):

Labcorp Genetics (formerly Invitae), Labcorp
Classification: Uncertain significance for Pheochromocytoma/paraganglioma syndrome 5; Mitochondrial complex II deficiency, nuclear type 1. Last evaluated: 2026-01-18. Review status: criteria provided, single submitter. Criteria: Invitae Variant Classification Sherloc (09022015). Collection method: clinical testing. Allele origin: germline.
Comment: This sequence change replaces arginine, which is basic and polar, with glutamine, which is neutral and polar, at codon 195 of the SDHA protein (p.Arg195Gln). This variant is present in population databases (rs762956849, gnomAD 0.003%). This variant has not been reported in the literature in individuals affected with SDHA-related conditions. ClinVar contains an entry for this variant (Variation ID: 472396). Invitae Evidence Modeling of protein sequence and biophysical properties (such as structural, functional, and spatial information, amino acid conservation, physicochemical variation, residue mobility, and thermodynamic stability) has been performed for this missense variant. However, the output from this modeling did not meet the statistical confidence thresholds required to predict the impact of this variant on SDHA protein function. In summary, the available evidence is currently insufficient to determine the role of this variant in disease. Therefore, it has been classified as a Variant of Uncertain Significance.

Ambry Genetics
Classification: Uncertain significance for Hereditary cancer-predisposing syndrome. Last evaluated: 2023-12-08. Review status: criteria provided, single submitter. Criteria: Ambry Variant Classification Scheme 2023. Collection method: clinical testing. Allele origin: germline.
Comment: The p.R195Q variant (also known as c.584G>A), located in coding exon 5 of the SDHA gene, results from a G to A substitution at nucleotide position 584. The arginine at codon 195 is replaced by glutamine, an amino acid with highly similar properties. This amino acid position is highly conserved in available vertebrate species. In addition, this alteration is predicted to be deleterious by in silico analysis. Since supporting evidence is limited at this time, the clinical significance of this alteration remains unclear.

Fulgent Genetics
Classification: Uncertain significance for Mitochondrial complex II deficiency, nuclear type 1; Dilated cardiomyopathy 1GG; Pheochromocytoma/paraganglioma syndrome 5; Neurodegeneration with ataxia and late-onset optic atrophy. Last evaluated: 2021-09-01. Review status: criteria provided, single submitter. Criteria: ACMG Guidelines, 2015. Collection method: clinical testing. Allele origin: unknown.